The following is an entry in ClinVar:

NM_014679.5(CEP57):c.1196G>A (p.Cys399Tyr)

Gene: CEP57 (centrosomal protein 57; plus strand). Cytogenetic location: 11q21.
Variant type: single nucleotide variant.
Coding change: c.1196G>A on transcript NM_014679.5 (MANE Select); coding-DNA position 1196, G replaced by A.
Protein change: p.Cys399Tyr; replaces cysteine 399 with tyrosine.
Molecular consequence: missense variant.
Genome position (GRCh38, 1-based): chr11:95,829,255, G>A. VCF-style: chr11-95829255-G-A. GRCh37 (hg19) VCF-style: chr11-95562419-G-A.
Other names: c.1169G>A, p.Cys390Tyr (NM_001243776.2); c.1118G>A, p.Cys373Tyr (NM_001243777.2); c.1115G>A, p.Cys372Tyr (NM_001363604.2); short protein forms C373Y, C399Y, C372Y, C390Y.
Identifiers: ClinVar variation 946126 (VCV000946126.10), dbSNP rs1862891504, ClinGen allele CA382408837.

ClinVar aggregate classification (germline): Uncertain significance. Review status: criteria provided, multiple submitters, no conflicts (2 of 4 stars). 2 submissions from 2 submitters: Uncertain significance (2). Last evaluated 2025-01-25.

Conditions:
Mosaic variegated aneuploidy syndrome 2 (MVA2). Identifiers: Orphanet 1052, MedGen C3279843, MONDO:0013582, OMIM 614114.
Inborn genetic diseases. Identifiers: MedGen C0950123, MeSH D030342.

Allele frequency attached by ClinVar (database versions not stated): gnomAD 0.00001.
gnomAD v4.1: 1 of 1,613,934 alleles (0.000062%); highest among the groups gnomAD compares: African/African-American, 0.0013%; no homozygotes.

Submissions (2):

Ambry Genetics
Classification: Uncertain significance for Inborn genetic diseases. Last evaluated: 2025-01-25. Review status: criteria provided, single submitter. Criteria: Ambry Variant Classification Scheme 2023. Collection method: clinical testing. Allele origin: germline.
Comment: The p.C399Y variant (also known as c.1196G>A), located in coding exon 10 of the CEP57 gene, results from a G to A substitution at nucleotide position 1196. The cysteine at codon 399 is replaced by tyrosine, an amino acid with highly dissimilar properties. This amino acid position is conserved. In addition, this alteration is predicted to be tolerated by in silico analysis. Based on the available evidence, the clinical significance of this variant remains unclear.

Labcorp Genetics (formerly Invitae), Labcorp
Classification: Uncertain significance for Mosaic variegated aneuploidy syndrome 2. Last evaluated: 2019-07-10. Review status: criteria provided, single submitter. Criteria: Invitae Variant Classification Sherloc (09022015). Collection method: clinical testing. Allele origin: germline.
Comment: This sequence change replaces cysteine with tyrosine at codon 399 of the CEP57 protein (p.Cys399Tyr). The cysteine residue is moderately conserved and there is a large physicochemical difference between cysteine and tyrosine. This variant is not present in population databases (ExAC no frequency). This variant has not been reported in the literature in individuals with CEP57-related conditions. Algorithms developed to predict the effect of missense changes on protein structure and function (SIFT, PolyPhen-2, Align-GVGD) all suggest that this variant is likely to be tolerated, but these predictions have not been confirmed by published functional studies and their clinical significance is uncertain. In summary, the available evidence is currently insufficient to determine the role of this variant in disease. Therefore, it has been classified as a Variant of Uncertain Significance.